The following is an entry in ClinVar:

ClinVar aggregate classification (germline): Uncertain significance (1 of 4 stars; one submission).

Conditions:
Developmental and epileptic encephalopathy, 30 (DEE30). Also called: Epileptic encephalopathy, early infantile, 30. Identifiers: MedGen C4225360, MONDO:0014595, OMIM 616341.

Submission:

Labcorp Genetics (formerly Invitae), Labcorp
Classification: Uncertain significance for Developmental and epileptic encephalopathy, 30. Last evaluated: 2024-05-21. Review status: criteria provided, single submitter. Criteria: Invitae Variant Classification Sherloc (09022015). Collection method: clinical testing. Allele origin: germline.
Comment: This sequence change falls in intron 13 of the SIK1 gene. It does not directly change the encoded amino acid sequence of the SIK1 protein. It affects a nucleotide within the consensus splice site. This variant is not present in population databases (gnomAD no frequency). This variant has not been reported in the literature in individuals affected with SIK1-related conditions. Variants that disrupt the consensus splice site are a relatively common cause of aberrant splicing (PMID: 17576681, 9536098). Algorithms developed to predict the effect of sequence changes on RNA splicing suggest that this variant may create or strengthen a splice site. In summary, the available evidence is currently insufficient to determine the role of this variant in disease. Therefore, it has been classified as a Variant of Uncertain Significance.

Literature cited by the submitters: PubMed 17576681; PubMed 9536098.

NM_173354.5(SIK1):c.1976+3A>G

Gene: SIK1 (salt inducible kinase 1; minus strand). Cytogenetic location: 21q22.3.
Variant type: single nucleotide variant.
Coding change: c.1976+3A>G on transcript NM_173354.5 (MANE Select); 3 bases into the intron after coding-DNA position 1976, A replaced by G.
Molecular consequence: intron variant.
Genome position (GRCh38, 1-based): chr21:43,417,540, T>C on the plus strand (A>G on the coding strand, the complement: SIK1 is on the minus strand). VCF-style: chr21-43417540-T-C. GRCh37 (hg19) VCF-style: chr21-44837420-T-C.
Identifiers: ClinVar variation 3624647 (VCV003624647.2).
Genomic context (GRCh38, chr21:43,417,540, plus strand): 5'-GTTCCTCGAGGAGATAACCTGCCGTGTGCCCACCCGGGGTCCCAGGGCGGGGGCAGGCCC[T>C]ACCTCTGCTGCTCTAGCACCTCCTCCAGCAGGCTCCAGCCCTCCCGGCTGCCGGCTGCGC-3'